The following is an entry in ClinVar:

NM_003995.4(NPR2):c.2252G>A (p.Ser751Asn)

Gene: NPR2 (natriuretic peptide receptor 2; plus strand). Cytogenetic location: 9p13.3.
Variant type: single nucleotide variant.
Coding change: c.2252G>A on transcript NM_003995.4 (MANE Select); coding-DNA position 2252, G replaced by A.
Protein change: p.Ser751Asn; replaces serine 751 with asparagine.
Molecular consequence: missense variant.
Genome position (GRCh38, 1-based): chr9:35,806,113, G>A. VCF-style: chr9-35806113-G-A. GRCh37 (hg19) VCF-style: chr9-35806110-G-A.
Other names: short protein forms S751N.
Identifiers: ClinVar variation 913004 (VCV000913004.6), dbSNP rs114207425, ClinGen allele CA5051924.

ClinVar aggregate classification (germline): Uncertain significance. Review status: criteria provided, multiple submitters, no conflicts (2 of 4 stars). 2 submissions from 2 submitters: Uncertain significance (2). Last evaluated 2024-02-15.

Conditions:
Acromesomelic dysplasia 1, Maroteaux type (AMD1). Also called: ST. HELENA DYSPLASIA; ACROMESOMELIC DYSPLASIA 1. Identifiers: Orphanet 40, MedGen C1864356, MONDO:0011275, OMIM 602875.
Tall stature-scoliosis-macrodactyly of the great toes syndrome. Also called: Epiphyseal chondrodysplasia, miura type. Identifiers: Orphanet 329191, MedGen C4014690, MONDO:0014401, OMIM 615923.

Allele frequency attached by ClinVar (database versions not stated): gnomAD exomes 0.00006; ExAC 0.00007; TOPMed below 0.00001; gnomAD 0.00001; 1000 Genomes Project 30x 0.00016; 1000 Genomes Project 0.00020.

Submissions (2):

Labcorp Genetics (formerly Invitae), Labcorp
Classification: Uncertain significance for Tall stature-scoliosis-macrodactyly of the great toes syndrome; Acromesomelic dysplasia 1, Maroteaux type. Last evaluated: 2024-02-15. Review status: criteria provided, single submitter. Criteria: Invitae Variant Classification Sherloc (09022015). Collection method: clinical testing. Allele origin: germline.
Comment: This sequence change replaces serine, which is neutral and polar, with asparagine, which is neutral and polar, at codon 751 of the NPR2 protein (p.Ser751Asn). This variant is present in population databases (rs114207425, gnomAD 0.08%). This variant has not been reported in the literature in individuals affected with NPR2-related conditions. ClinVar contains an entry for this variant (Variation ID: 913004). Advanced modeling of protein sequence and biophysical properties (such as structural, functional, and spatial information, amino acid conservation, physicochemical variation, residue mobility, and thermodynamic stability) performed at Invitae indicates that this missense variant is not expected to disrupt NPR2 protein function with a negative predictive value of 80%. In summary, the available evidence is currently insufficient to determine the role of this variant in disease. Therefore, it has been classified as a Variant of Uncertain Significance.

Illumina Laboratory Services, Illumina
Classification: Uncertain significance for Acromesomelic dysplasia 1, Maroteaux type. Last evaluated: 2018-01-13. Review status: criteria provided, single submitter. Criteria: ICSL Variant Classification Criteria 13 December 2019. Collection method: clinical testing. Allele origin: germline.